The following is an entry in ClinVar:

ClinVar aggregate classification (germline): Conflicting classifications of pathogenicity. Review status: criteria provided, conflicting classifications (1 of 4 stars). 4 submissions from 4 submitters: Uncertain significance (1); Likely benign (1). 2 of the submissions do not count toward it. Last evaluated 2026-01-30.

Conditions:
Tyrosinemia type I (TYRSN1). Also called: Tyrosinemia type 1; Fumarylacetoacetase deficiency; Deficiency of fumarylacetoacetase; HEPATORENAL TYROSINEMIA; FAH DEFICIENCY. Identifiers: Orphanet 882, MedGen C0268490, MONDO:0010161, OMIM 276700. Disease mechanism: loss of function.
FAH-related disorder. Also called: FAH-related condition.

Allele frequency attached by ClinVar (database versions not stated): gnomAD 0.00002 and 0.00005; TOPMed 0.00005; gnomAD exomes 0.00012 and 0.00014; ExAC 0.00014; 1000 Genomes Project 30x 0.00047; 1000 Genomes Project 0.00060.

Submissions (4):

Labcorp Genetics (formerly Invitae), Labcorp
Classification: Likely benign for Tyrosinemia type I. Last evaluated: 2026-01-30. Review status: criteria provided, single submitter. Criteria: Invitae Variant Classification Sherloc (09022015). Collection method: clinical testing. Allele origin: germline.

Illumina Laboratory Services, Illumina
Classification: Uncertain significance for Tyrosinemia type I. Last evaluated: 2018-01-13. Review status: criteria provided, single submitter. Criteria: ICSL Variant Classification Criteria 13 December 2019. Collection method: clinical testing. Allele origin: germline.

PreventionGenetics, part of Exact Sciences
Classification: Likely benign for FAH-related condition. Last evaluated: 2022-12-14. Review status: no assertion criteria provided. Collection method: clinical testing. Allele origin: germline. Not counted in ClinVar's aggregate classification.
Comment: This variant is classified as likely benign based on ACMG/AMP sequence variant interpretation guidelines (Richards et al. 2015 PMID: 25741868, with internal and published modifications).

Natera, Inc.
Classification: Uncertain significance for Tyrosinemia type I. Last evaluated: 2020-01-24. Review status: no assertion criteria provided. Collection method: clinical testing. Allele origin: germline. Not counted in ClinVar's aggregate classification.

NM_000137.4(FAH):c.391C>T (p.Arg131Trp)

Gene: FAH (fumarylacetoacetate hydrolase; plus strand). Cytogenetic location: 15q25.1.
Variant type: single nucleotide variant.
Coding change: c.391C>T on transcript NM_000137.4 (MANE Select); coding-DNA position 391, C replaced by T.
Protein change: p.Arg131Trp; replaces arginine 131 with tryptophan.
Molecular consequence: missense variant.
Genome position (GRCh38, 1-based): chr15:80,162,272, C>T. VCF-style: chr15-80162272-C-T. GRCh37 (hg19) VCF-style: chr15-80454614-C-T.
Other names: c.391C>T, p.Arg131Trp (NM_001374377.1, NM_001374380.1); short protein forms R131W.
Identifiers: ClinVar variation 764272 (VCV000764272.18), dbSNP rs147946196, ClinGen allele CA7691142.